The following is an entry in ClinVar:

ClinVar aggregate classification (germline): Likely benign (1 of 4 stars; one submission).

Allele frequency attached by ClinVar (database versions not stated): gnomAD exomes 0.00015 and 0.00035; ExAC 0.00048; 1000 Genomes Project 0.00120; gnomAD 0.00130 and 0.00142; 1000 Genomes Project 30x 0.00141; ESP Exome Variant Server 0.00146; TOPMed 0.00156.

Submission:

GeneDx
Classification: Likely benign. Last evaluated: 2017-05-01. Review status: criteria provided, single submitter. Criteria: GeneDx Variant Classification (06012015). Collection method: clinical testing. Allele origin: germline. Affected: yes.
Comment: This variant is considered likely benign or benign based on one or more of the following criteria: it is a conservative change, it occurs at a poorly conserved position in the protein, it is predicted to be benign by multiple in silico algorithms, and/or has population frequency not consistent with disease.

NM_003366.4(UQCRC2):c.-35C>T

Gene: UQCRC2 (ubiquinol-cytochrome c reductase core protein 2). Cytogenetic location: 16p12.2.
Variant type: single nucleotide variant.
Coding change: c.-35C>T on transcript NM_003366.4 (MANE Select); 35 bases upstream of the start codon, C replaced by T.
Molecular consequence: 5 prime UTR variant.
Genome position (GRCh38, 1-based): chr16:21,953,389, C>T. VCF-style: chr16-21953389-C-T. GRCh37 (hg19) VCF-style: chr16-21964710-C-T.
Identifiers: ClinVar variation 389372 (VCV000389372.1), dbSNP rs368981931, ClinGen allele CA7953578.
Genomic context (GRCh38, chr16:21,953,389, plus strand): 5'-GTGTTAGCGGGGAACGCTGGGAAACTCCCGGCCTCCGCCACCATCTTGCTTTCCTTTAAT[C>T]CGGCAGTGACCGTGTGTCAGAACAATCTTGAATCATGAAGCTACTAACCAGAGCCGGCTC-3'